The following is an entry in ClinVar:

NM_006080.3(SEMA3A):c.1256G>A (p.Arg419His)

Gene: SEMA3A (semaphorin 3A; minus strand). Cytogenetic location: 7q21.11.
Variant type: single nucleotide variant.
Coding change: c.1256G>A on transcript NM_006080.3 (MANE Select); coding-DNA position 1256, G replaced by A.
Protein change: p.Arg419His; replaces arginine 419 with histidine.
Molecular consequence: missense variant.
Genome position (GRCh38, 1-based): chr7:84,005,443, C>T on the plus strand (G>A on the coding strand, the complement: SEMA3A is on the minus strand). VCF-style: chr7-84005443-C-T. GRCh37 (hg19) VCF-style: chr7-83634759-C-T.
Other names: short protein forms R419H.
Identifiers: ClinVar variation 1337778 (VCV001337778.9), dbSNP rs140701193, ClinGen allele CA4322799.

ClinVar aggregate classification (germline): Uncertain significance. Review status: criteria provided, multiple submitters, no conflicts (2 of 4 stars). 4 submissions from 4 submitters: Uncertain significance (4). Last evaluated 2026-02-04.

Conditions:
Inborn genetic diseases. Identifiers: MedGen C0950123, MeSH D030342.
SEMA3A-related disorder. Also called: SEMA3A-related condition.

Allele frequency attached by ClinVar (database versions not stated): ExAC 0.00001; gnomAD exomes 0.00001 and 0.00002; gnomAD 0.00002; TOPMed 0.00004; ESP Exome Variant Server 0.00008.
gnomAD v4.1: 23 of 1,613,500 alleles (0.0014%); highest among the groups gnomAD compares: Admixed American, 0.0067%; no homozygotes.

Submissions (4):

PreventionGenetics, part of Exact Sciences
Classification: Uncertain significance for SEMA3A-related condition. Last evaluated: 2026-02-04. Review status: criteria provided, single submitter. Criteria: ACMG Guidelines, 2015. Collection method: clinical testing. Allele origin: germline.
Comment: The SEMA3A c.1256G>A variant is predicted to result in the amino acid substitution p.Arg419His. To our knowledge, this variant has not been reported in the literature. This variant is reported in 0.0087% of alleles in individuals of Latino descent in gnomAD. At this time, the clinical significance of this variant is uncertain due to the absence of conclusive functional and genetic evidence.

Ambry Genetics
Classification: Uncertain significance for Inborn genetic diseases. Last evaluated: 2025-08-01. Review status: criteria provided, single submitter. Criteria: Ambry Variant Classification Scheme 2023. Collection method: clinical testing. Allele origin: germline.

Labcorp Genetics (formerly Invitae), Labcorp
Classification: Uncertain significance. Last evaluated: 2023-11-23. Review status: criteria provided, single submitter. Criteria: Invitae Variant Classification Sherloc (09022015). Collection method: clinical testing. Allele origin: germline.
Comment: This sequence change replaces arginine, which is basic and polar, with histidine, which is basic and polar, at codon 419 of the SEMA3A protein (p.Arg419His). This variant is present in population databases (rs140701193, gnomAD 0.006%). This variant has not been reported in the literature in individuals affected with SEMA3A-related conditions. ClinVar contains an entry for this variant (Variation ID: 1337778). Advanced modeling of protein sequence and biophysical properties (such as structural, functional, and spatial information, amino acid conservation, physicochemical variation, residue mobility, and thermodynamic stability) performed at Invitae indicates that this missense variant is not expected to disrupt SEMA3A protein function with a negative predictive value of 80%. In summary, the available evidence is currently insufficient to determine the role of this variant in disease. Therefore, it has been classified as a Variant of Uncertain Significance.

Genetic Services Laboratory, University of Chicago
Classification: Uncertain significance. Last evaluated: 2020-12-24. Review status: criteria provided, single submitter. Criteria: ACMG Guidelines, 2015. Collection method: clinical testing. Allele origin: germline. Affected: no.